The following is an entry in ClinVar:

NM_001854.4(COL11A1):c.3697A>G (p.Asn1233Asp)

Gene: COL11A1 (collagen type XI alpha 1 chain; minus strand). Cytogenetic location: 1p21.1.
Variant type: single nucleotide variant.
Coding change: c.3697A>G on transcript NM_001854.4 (MANE Select); coding-DNA position 3697, A replaced by G.
Protein change: p.Asn1233Asp; replaces asparagine 1233 with aspartic acid.
Molecular consequence: missense variant. On other transcripts: non-coding transcript variant (1).
Genome position (GRCh38, 1-based): chr1:102,921,529, T>C on the plus strand (A>G on the coding strand, the complement: COL11A1 is on the minus strand). VCF-style: chr1-102921529-T-C. GRCh37 (hg19) VCF-style: chr1-103387085-T-C.
Other names: c.3349A>G, p.Asn1117Asp (NM_001168249.1, NM_080630.4); c.3580A>G, p.Asn1194Asp (NM_001190709.2); c.3733A>G, p.Asn1245Asp (NM_080629.3); short protein forms N1117D, N1194D, N1233D, N1245D.
Identifiers: ClinVar variation 2876486 (VCV002876486.3), dbSNP rs1196261195, ClinGen allele CA341164240.

ClinVar aggregate classification (germline): Uncertain significance (1 of 4 stars; one submission).

Allele frequency attached by ClinVar (database versions not stated): TOPMed below 0.00001; gnomAD 0.00001.
gnomAD v4.1: 1 of 1,613,208 alleles (0.000062%); highest among the groups gnomAD compares: Non-Finnish European, 0.000085%; no homozygotes.

Submission:

Labcorp Genetics (formerly Invitae), Labcorp
Classification: Uncertain significance. Last evaluated: 2024-06-10. Review status: criteria provided, single submitter. Criteria: Invitae Variant Classification Sherloc (09022015). Collection method: clinical testing. Allele origin: germline.
Comment: This sequence change replaces asparagine, which is neutral and polar, with aspartic acid, which is acidic and polar, at codon 1233 of the COL11A1 protein (p.Asn1233Asp). This variant is not present in population databases (gnomAD no frequency). This variant has not been reported in the literature in individuals affected with COL11A1-related conditions. Advanced modeling of protein sequence and biophysical properties (such as structural, functional, and spatial information, amino acid conservation, physicochemical variation, residue mobility, and thermodynamic stability) performed at Invitae indicates that this missense variant is not expected to disrupt COL11A1 protein function with a negative predictive value of 95%. In summary, the available evidence is currently insufficient to determine the role of this variant in disease. Therefore, it has been classified as a Variant of Uncertain Significance.